The following is an entry in ClinVar:

ClinVar aggregate classification (germline): Likely pathogenic (1 of 4 stars; one submission).

Conditions:
Alzheimer disease 3 (AD3). Also called: ALZHEIMER DISEASE, FAMILIAL, 3. Identifiers: Orphanet 1020, MedGen C1843013, MONDO:0011913, OMIM 607822.

Submission:

Victorian Clinical Genetics Services, Murdoch Childrens Research Institute
Classification: Likely pathogenic for Alzheimer disease 3. Last evaluated: 2024-10-10. Review status: criteria provided, single submitter. Criteria: ACMG Guidelines, 2015. Collection method: clinical testing. Allele origin: germline. Inheritance: Autosomal dominant inheritance. Affected: yes.
Comment: Based on the classification scheme VCGS_Germline_v1.3.5, this variant is classified as Likely pathogenic. Following criteria are met: 0104 - Dominant negative is a likely mechanism of disease in this gene and is associated with Alzheimer disease (PMIDs: 27930341, 28082723, 29142009). (I) 0107 - This gene is associated with autosomal dominant disease. (I) 0200 - Variant is predicted to result in a missense amino acid change from leucine to proline. (I) 0251 - This variant is heterozygous. (I) 0301 - Variant is absent from gnomAD (v2, v3 and v4). (SP) 0501 - Missense variant consistently predicted to be damaging by multiple in silico tools or highly conserved with a major amino acid change. (SP) 0600 - Variant is located in the annotated presenilin domain (DECIPHER). (I) 0704 - Another missense variant comparable to the one identified in this case has limited previous evidence for pathogenicity. An alternative change, p.(Leu241Arg), has been identified in an individual with early onset Alzheimer disease (PMID: 28350801). (SP) 0807 - This variant has no previous evidence of pathogenicity. (I) 0905 - No published segregation evidence has been identified for this variant. (I) 1007 - No published functional evidence has been identified for this variant. (SP) Legend: (SP) - Supporting pathogenic, (I) - Information, (SB) - Supporting benign

Literature cited by the submitters: PubMed 27930341; PubMed 28082723; PubMed 28350801; PubMed 29142009.

NM_000021.4(PSEN1):c.722T>C (p.Leu241Pro)

Gene: PSEN1 (presenilin 1; plus strand). Cytogenetic location: 14q24.2.
Variant type: single nucleotide variant.
Coding change: c.722T>C on transcript NM_000021.4 (MANE Select); coding-DNA position 722, T replaced by C.
Protein change: p.Leu241Pro; replaces leucine 241 with proline.
Molecular consequence: missense variant.
Genome position (GRCh38, 1-based): chr14:73,192,817, T>C. VCF-style: chr14-73192817-T-C. GRCh37 (hg19) VCF-style: chr14-73659525-T-C.
Other names: c.710T>C, p.Leu237Pro (NM_007318.3); short protein forms L237P, L241P.
Identifiers: ClinVar variation 3376663 (VCV003376663.1).